The following is an entry in ClinVar:

ClinVar aggregate classification (germline): Pathogenic. Review status: criteria provided, single submitter (1 of 4 stars). 2 submissions from 2 submitters: Pathogenic (1). 1 of the submissions does not count toward it. Last evaluated 2022-04-14.

Conditions:
Neurodevelopmental disorder with seizures, microcephaly, and brain abnormalities (NEDSMBA). Identifiers: MedGen C5774209, MONDO:0859283, OMIM 620024.
Microcephaly. Also called: Microcephaly (disease). Identifiers: MedGen C4551563, MONDO:0001149, HP:0000252.
Severe intellectual disability. Identifiers: MedGen C0036857, HP:0010864.
Cerebral calcification. Also called: Cerebral calcifications. Identifiers: MedGen C0270685, HP:0002514.
Seizure. Also called: Seizures. Identifiers: MedGen C0036572, HP:0001250.

gnomAD v4.1: 30 of 1,610,308 alleles (0.0019%); highest among the groups gnomAD compares: African/African-American, 0.0027%; no homozygotes.

Submissions (2):

Institute of Human Genetics, University of Leipzig Medical Center
Classification: Pathogenic for Severe intellectual disability; Seizure; Microcephaly; Cerebral calcification. Last evaluated: 2022-04-14. Review status: criteria provided, single submitter. Criteria: ACMG Guidelines, 2015. Collection method: research. Allele origin: germline. Affected: yes.
Comment: The variant was identified as homozygous. Criteria applied: PVS1, PM2_Supporting, PM3_Supporting

OMIM
Classification: Pathogenic for NEURODEVELOPMENTAL DISORDER WITH SEIZURES, MICROCEPHALY, AND BRAIN ABNORMALITIES. Last evaluated: 2022-08-31. Review status: no assertion criteria provided. Collection method: literature only. Allele origin: germline. Not counted in ClinVar's aggregate classification.

Literature cited by the submitters: DOI doi.org/10.1101/2022.04.04.22273309 (cited by Institute of Human Genetics, University of Leipzig Medical Center); PubMed 35830857 (cited by OMIM).

NM_003622.4(PPFIBP1):c.403C>T (p.Arg135Ter)

Gene: PPFIBP1 (PPFIB scaffold protein 1; plus strand). Cytogenetic location: 12p11.22.
Variant type: single nucleotide variant.
Coding change: c.403C>T on transcript NM_003622.4 (MANE Select); coding-DNA position 403, C replaced by T.
Protein change: p.Arg135Ter; replaces arginine 135 with a stop codon.
Molecular consequence: nonsense. On other transcripts: 5 prime UTR variant (1).
Genome position (GRCh38, 1-based): chr12:27,647,774, C>T. VCF-style: chr12-27647774-C-T. GRCh37 (hg19) VCF-style: chr12-27800707-C-T.
Other names: c.403C>T, p.Arg135Ter (NM_177444.3, NM_001198916.2); c.-57C>T (NM_001198915.2); short protein forms R135*.
Identifiers: ClinVar variation 1679180 (VCV001679180.2), dbSNP rs143847599, ClinGen allele CA6493061.
Genomic context (GRCh38, chr12:27,647,774, plus strand): 5'-TTGCTCTAAATACAGGTAAGTGTGTTAACAGACCAGGTGGAGGCTCAGGGAGAGAAGATT[C>T]GAGATTTGGAGTTTTGTCTTGAAGAGCACAGAGAGAAGGTGAATGCCACAGAAGAAATGC-3'